The following is an entry in ClinVar:

NM_138295.5(PKD1L1):c.5881T>G (p.Phe1961Val)

Gene: PKD1L1 (polycystin 1 like 1, transient receptor potential channel interacting; minus strand). Cytogenetic location: 7p12.3.
Variant type: single nucleotide variant.
Coding change: c.5881T>G on transcript NM_138295.5 (MANE Select); coding-DNA position 5881, T replaced by G.
Protein change: p.Phe1961Val; replaces phenylalanine 1961 with valine.
Molecular consequence: missense variant.
Genome position (GRCh38, 1-based): chr7:47,836,983, A>C on the plus strand (T>G on the coding strand, the complement: PKD1L1 is on the minus strand). VCF-style: chr7-47836983-A-C. GRCh37 (hg19) VCF-style: chr7-47876581-A-C.
Other names: short protein forms F1961V.
Identifiers: ClinVar variation 1806747 (VCV001806747.1), dbSNP rs1251272092, ClinGen allele CA367483863.

ClinVar aggregate classification (germline): Uncertain significance (1 of 4 stars; one submission).

Allele frequency attached by ClinVar (database versions not stated): gnomAD 0.00001; gnomAD exomes 0.00001; TOPMed 0.00002.
gnomAD v4.1: 20 of 1,614,126 alleles (0.0012%); highest among the groups gnomAD compares: Non-Finnish European, 0.0016%; no homozygotes.

Submission:

GeneDx
Classification: Uncertain significance. Last evaluated: 2022-06-22. Review status: criteria provided, single submitter. Criteria: GeneDx Variant Classification Process June 2021. Collection method: clinical testing. Allele origin: germline. Affected: yes.
Comment: Not observed at significant frequency in large population cohorts (gnomAD); In silico analysis supports that this missense variant does not alter protein structure/function; Has not been previously published as pathogenic or benign to our knowledge